The following is an entry in ClinVar:

ClinVar aggregate classification (germline): Pathogenic/Likely pathogenic. Review status: criteria provided, multiple submitters, no conflicts (2 of 4 stars). 4 submissions from 4 submitters: Pathogenic (2); Likely pathogenic (2). Last evaluated 2025-01-30.

Conditions:
Inborn genetic diseases. Identifiers: MedGen C0950123, MeSH D030342.
Developmental and epileptic encephalopathy, 12 (DEE12). Identifiers: MedGen C3150988, MONDO:0013389, OMIM 613722.
Abnormality of the nervous system. Also called: Congenital nervous system disorder. Identifiers: MedGen C0497552, MONDO:0002320, HP:0000707.

Submissions (4):

Labcorp Genetics (formerly Invitae), Labcorp
Classification: Pathogenic for Developmental and epileptic encephalopathy, 12. Last evaluated: 2025-01-30. Review status: criteria provided, single submitter. Criteria: Invitae Variant Classification Sherloc (09022015). Collection method: clinical testing. Allele origin: germline.
Comment: This sequence change creates a premature translational stop signal (p.Ala420Glyfs*75) in the PNKP gene. While this is not anticipated to result in nonsense mediated decay, it is expected to disrupt the last 102 amino acid(s) of the PNKP protein. This variant is not present in population databases (gnomAD no frequency). This premature translational stop signal has been observed in individual(s) with PNKP-related conditions (PMID: 38374194). ClinVar contains an entry for this variant (Variation ID: 589380). This variant disrupts a region of the PNKP protein in which other variant(s) (p.Gln517*) have been determined to be pathogenic (PMID: 30039206). This suggests that this is a clinically significant region of the protein, and that variants that disrupt it are likely to be disease-causing. For these reasons, this variant has been classified as Pathogenic.

GeneDx
Classification: Likely pathogenic. Last evaluated: 2023-05-18. Review status: criteria provided, single submitter. Criteria: GeneDx Variant Classification Process June 2021. Collection method: clinical testing. Allele origin: germline. Affected: yes.
Comment: Frameshift variant predicted to result in protein truncation, as the last 102 amino acids are replaced with 74 different amino acids, and other loss-of-function variants have been reported downstream in HGMD; Not observed at significant frequency in large population cohorts (gnomAD); Has not been previously published as pathogenic or benign to our knowledge; This variant is associated with the following publications: (PMID: 22508754)

Kariminejad - Najmabadi Pathology & Genetics Center
Classification: Likely pathogenic for Abnormality of the nervous system. Last evaluated: 2021-07-10. Review status: criteria provided, single submitter. Criteria: ACMG Guidelines, 2015. Collection method: clinical testing. Allele origin: germline. Affected: yes.

Ambry Genetics
Classification: Pathogenic for Inborn genetic diseases. Last evaluated: 2016-09-07. Review status: criteria provided, single submitter. Criteria: Ambry Variant Classification Scheme 2023. Collection method: clinical testing. Allele origin: germline.
Comment: The c.1255_1258dupGTCG pathogenic mutation, located in coding exon 13 of the PNKP gene, results from a duplication of GTCG at nucleotide position 1255, causing a translational frameshift with a predicted alternate stop codon. This alteration is expected to result in loss of function by premature protein truncation or nonsense-mediated mRNA decay. As such, this alteration is interpreted as a disease-causing mutation.

Literature cited by the submitters: PubMed 38374194 (cited by Labcorp Genetics (formerly Invitae), Labcorp); PubMed 30039206 (cited by Labcorp Genetics (formerly Invitae), Labcorp).

NM_007254.4(PNKP):c.1255_1258dup (p.Ala420fs)

Gene: PNKP (polynucleotide kinase 3'-phosphatase; minus strand). Cytogenetic location: 19q13.33.
Variant type: Duplication.
Coding change: c.1255_1258dup on transcript NM_007254.4 (MANE Select); coding-DNA positions 1255 to 1258, 4 bases duplicated (GTCG; older notation c.1255_1258dupGTCG).
Protein change: p.Ala420fs; shifts the reading frame from alanine 420.
Molecular consequence: frameshift variant.
Genome position (GRCh38, 1-based): chr19:49,861,812-49,861,815, CGAC duplicated on the plus strand (GTCG on the coding strand, the reverse complement: PNKP is on the minus strand); duplicating any 4 consecutive bases within chr19:49,861,812-49,861,816 gives the same sequence; the c. name uses the placement nearest the transcript's 3' end. VCF-style (leftmost placement, unchanged base first): chr19-49861811-G-GCGAC. GRCh37 (hg19) VCF-style: chr19-50365068-G-GCGAC.
Other names: c.1255_1258dupGTCG (NM_007254.4, NM_007254.3); c.1255_1258dup (NM_007254.2); short protein forms A420fs.
Identifiers: ClinVar variation 589380 (VCV000589380.29), dbSNP rs768847609, ClinGen allele CA9586505.